The following is an entry in ClinVar:

ClinVar aggregate classification (germline): Uncertain significance. Review status: criteria provided, multiple submitters, no conflicts (2 of 4 stars). 2 submissions from 2 submitters: Uncertain significance (2). Last evaluated 2025-11-02.

Conditions:
Inborn genetic diseases. Identifiers: MedGen C0950123, MeSH D030342.

gnomAD v4.1: 3 of 1,612,874 alleles (0.00019%); highest among the groups gnomAD compares: Admixed American, 0.0017%; no homozygotes.

Submissions (2):

Labcorp Genetics (formerly Invitae), Labcorp
Classification: Uncertain significance. Last evaluated: 2025-11-02. Review status: criteria provided, single submitter. Criteria: Invitae Variant Classification Sherloc (09022015). Collection method: clinical testing. Allele origin: germline.
Comment: This sequence change replaces arginine, which is basic and polar, with serine, which is neutral and polar, at codon 1844 of the ARID1B protein (p.Arg1844Ser). This variant is not present in population databases (gnomAD no frequency). This variant has not been reported in the literature in individuals affected with ARID1B-related conditions. ClinVar contains an entry for this variant (Variation ID: 3945587). Invitae Evidence Modeling of protein sequence and biophysical properties (such as structural, functional, and spatial information, amino acid conservation, physicochemical variation, residue mobility, and thermodynamic stability) indicates that this missense variant is not expected to disrupt ARID1B protein function with a negative predictive value of 95%. In summary, the available evidence is currently insufficient to determine the role of this variant in disease. Therefore, it has been classified as a Variant of Uncertain Significance.

Ambry Genetics
Classification: Uncertain significance for Inborn genetic diseases. Last evaluated: 2025-04-13. Review status: criteria provided, single submitter. Criteria: Ambry Variant Classification Scheme 2023. Collection method: clinical testing. Allele origin: germline.

NM_001374828.1(ARID1B):c.5901G>C (p.Arg1967Ser)

Gene: ARID1B (AT-rich interaction domain 1B; plus strand). Cytogenetic location: 6q25.3.
Variant type: single nucleotide variant.
Coding change: c.5901G>C on transcript NM_001374828.1 (MANE Select); coding-DNA position 5901, G replaced by C.
Protein change: p.Arg1967Ser; replaces arginine 1967 with serine.
Molecular consequence: missense variant.
Genome position (GRCh38, 1-based): chr6:157,206,673, G>C. VCF-style: chr6-157206673-G-C. GRCh37 (hg19) VCF-style: chr6-157527807-G-C.
Other names: c.3402G>C, p.Arg1134Ser (NM_001363725.2); c.5781G>C, p.Arg1927Ser (NM_001371656.1, NM_001374820.1); c.5742G>C, p.Arg1914Ser (NM_017519.3); c.5532G>C (NM_020732.3); short protein forms R1967S, R1927S, R1134S, R1914S.
Identifiers: ClinVar variation 3945587 (VCV003945587.2).